The following is an entry in ClinVar:

NM_000836.4(GRIN2D):c.3683G>T (p.Cys1228Phe)

Gene: GRIN2D (glutamate ionotropic receptor NMDA type subunit 2D; plus strand). Cytogenetic location: 19q13.33.
Variant type: single nucleotide variant.
Coding change: c.3683G>T on transcript NM_000836.4 (MANE Select); coding-DNA position 3683, G replaced by T.
Protein change: p.Cys1228Phe; replaces cysteine 1228 with phenylalanine.
Molecular consequence: missense variant.
Genome position (GRCh38, 1-based): chr19:48,443,609, G>T. VCF-style: chr19-48443609-G-T. GRCh37 (hg19) VCF-style: chr19-48946866-G-T.
Other names: short protein forms C1228F.
Identifiers: ClinVar variation 2741725 (VCV002741725.3), dbSNP rs2513693837, ClinGen allele CA406677533.

ClinVar aggregate classification (germline): Uncertain significance (1 of 4 stars; one submission).

Submission:

Labcorp Genetics (formerly Invitae), Labcorp
Classification: Uncertain significance. Last evaluated: 2023-12-11. Review status: criteria provided, single submitter. Criteria: Invitae Variant Classification Sherloc (09022015). Collection method: clinical testing. Allele origin: germline.
Comment: This sequence change replaces cysteine, which is neutral and slightly polar, with phenylalanine, which is neutral and non-polar, at codon 1228 of the GRIN2D protein (p.Cys1228Phe). The frequency data for this variant in the population databases is considered unreliable, as metrics indicate insufficient coverage at this position in the gnomAD database. This variant has not been reported in the literature in individuals affected with GRIN2D-related conditions. Advanced modeling of protein sequence and biophysical properties (such as structural, functional, and spatial information, amino acid conservation, physicochemical variation, residue mobility, and thermodynamic stability) performed at Invitae indicates that this missense variant is not expected to disrupt GRIN2D protein function with a negative predictive value of 95%. In summary, the available evidence is currently insufficient to determine the role of this variant in disease. Therefore, it has been classified as a Variant of Uncertain Significance.